The following is an entry in ClinVar:

NM_001031689.3(PLAA):c.912A>G (p.Thr304=)

Gene: PLAA (phospholipase A2 activating protein; minus strand). Cytogenetic location: 9p21.2.
Variant type: single nucleotide variant.
Coding change: c.912A>G on transcript NM_001031689.3 (MANE Select); coding-DNA position 912, A replaced by G.
Protein change: p.Thr304=; no amino-acid change (threonine 304 retained).
Molecular consequence: synonymous variant.
Genome position (GRCh38, 1-based): chr9:26,923,305, T>C on the plus strand (A>G on the coding strand, the complement: PLAA is on the minus strand). VCF-style: chr9-26923305-T-C. GRCh37 (hg19) VCF-style: chr9-26923303-T-C.
Other names: c.912A>G, p.Thr304= (NM_001321546.2).
Identifiers: ClinVar variation 1600427 (VCV001600427.34), dbSNP rs370728877, ClinGen allele CA5014510.
Genomic context (GRCh38, chr9:26,923,305, plus strand): 5'-AGAATCAATGGTTGCGTGAGACAGTTCTTTTTCAAAAGCCTTGATTTCTTCAGCACTTGC[T>C]GTTCGATCTTCTGATTCTGTAAACACTCTAATAATGCCATCACTGTAAGGAAAAATAAAC-3'
Protein context (NP_001026859.1, residues 294-314): IRVFTESEDR[Thr304=]ASAEEIKAFE

ClinVar aggregate classification (germline): Benign/Likely benign. Review status: criteria provided, multiple submitters, no conflicts (2 of 4 stars). 4 submissions from 4 submitters: Benign (2); Likely benign (2). Last evaluated 2025-12-16.

Allele frequency attached by ClinVar (database versions not stated): gnomAD 0.00010; TOPMed 0.00013; ESP Exome Variant Server 0.00015; gnomAD exomes 0.00016 and 0.00018; ExAC 0.00018.
gnomAD v4.1: 245 of 1,613,374 alleles (0.015%); highest among the groups gnomAD compares: Middle Eastern, 0.016%; no homozygotes.

Submissions (4):

Labcorp Genetics (formerly Invitae), Labcorp
Classification: Benign. Last evaluated: 2025-12-16. Review status: criteria provided, single submitter. Criteria: Invitae Variant Classification Sherloc (09022015). Collection method: clinical testing. Allele origin: germline.

CeGaT Center for Human Genetics Tuebingen
Classification: Likely benign. Last evaluated: 2024-12-01. Review status: criteria provided, single submitter. Criteria: CeGaT Center For Human Genetics Tuebingen Variant Classification Criteria Version 2. Collection method: clinical testing. Allele origin: germline. Affected: yes. Observed: 2 variant alleles.
Comment: PLAA: BP4, BP7

Blueprint Genetics
Classification: Likely benign. Last evaluated: 2024-08-05. Review status: criteria provided, single submitter. Criteria: ACMG Guidelines, 2015. Collection method: clinical testing. Allele origin: germline.

Breakthrough Genomics
Classification: Benign. Review status: criteria provided, single submitter. Criteria: ACMG Guidelines, 2015. Collection method: not provided. Allele origin: germline. Inheritance: Autosomal recessive inheritance. Affected: yes.